The following is an entry in ClinVar:

NM_006206.6(PDGFRA):c.3251T>A (p.Val1084Glu)

Gene: PDGFRA (platelet derived growth factor receptor alpha; plus strand). Cytogenetic location: 4q12.
Variant type: single nucleotide variant.
Coding change: c.3251T>A on transcript NM_006206.6 (MANE Select); coding-DNA position 3251, T replaced by A.
Protein change: p.Val1084Glu; replaces valine 1084 with glutamic acid.
Molecular consequence: missense variant.
Genome position (GRCh38, 1-based): chr4:54,295,253, T>A. VCF-style: chr4-54295253-T-A. GRCh37 (hg19) VCF-style: chr4-55161420-T-A.
Other names: c.3326T>A, p.Val1109Glu (NM_001347828.2); c.3251T>A, p.Val1084Glu (NM_001347829.2); c.3290T>A, p.Val1097Glu (NM_001347830.2); short protein forms V1084E, V1097E, V1109E.
Identifiers: ClinVar variation 2121383 (VCV002121383.5), dbSNP rs780817756, ClinGen allele CA356896722.

ClinVar aggregate classification (germline): Uncertain significance. Review status: criteria provided, multiple submitters, no conflicts (2 of 4 stars). 2 submissions from 2 submitters: Uncertain significance (2). Last evaluated 2025-08-17.

Conditions:
Hereditary cancer-predisposing syndrome. Also called: Hereditary Cancer Syndrome; Hereditary neoplastic syndrome; Neoplastic Syndromes, Hereditary; Tumor predisposition. Identifiers: Orphanet 140162, MedGen C0027672, MeSH D009386, MONDO:0015356.
Gastrointestinal stromal tumor. Also called: Gastrointestinal stroma tumor; Gastrointestinal stromal tumor, somatic. Identifiers: Orphanet 44890, MedGen C0238198, MeSH D046152, MONDO:0011719, OMIM 606764, HP:0100723.

Submissions (2):

Labcorp Genetics (formerly Invitae), Labcorp
Classification: Uncertain significance for Gastrointestinal stromal tumor. Last evaluated: 2025-08-17. Review status: criteria provided, single submitter. Criteria: Invitae Variant Classification Sherloc (09022015). Collection method: clinical testing. Allele origin: germline.
Comment: This sequence change replaces valine, which is neutral and non-polar, with glutamic acid, which is acidic and polar, at codon 1084 of the PDGFRA protein (p.Val1084Glu). This variant is not present in population databases (gnomAD no frequency). This variant has not been reported in the literature in individuals affected with PDGFRA-related conditions. ClinVar contains an entry for this variant (Variation ID: 2121383). An algorithm developed to predict the effect of missense changes on protein structure and function (PolyPhen-2) suggests that this variant is likely to be disruptive. In summary, the available evidence is currently insufficient to determine the role of this variant in disease. Therefore, it has been classified as a Variant of Uncertain Significance.

Ambry Genetics
Classification: Uncertain significance for Hereditary cancer-predisposing syndrome. Last evaluated: 2025-04-06. Review status: criteria provided, single submitter. Criteria: Ambry Variant Classification Scheme 2023. Collection method: clinical testing. Allele origin: germline.
Comment: The p.V1084E variant (also known as c.3251T>A), located in coding exon 22 of the PDGFRA gene, results from a T to A substitution at nucleotide position 3251. The valine at codon 1084 is replaced by glutamic acid, an amino acid with dissimilar properties. This amino acid position is conserved. In addition, the in silico prediction for this alteration is inconclusive. Based on the available evidence, the clinical significance of this variant remains unclear.